The following is an entry in ClinVar:

NM_020821.3(VPS13C):c.1192A>G (p.Ile398Val)

Gene: VPS13C (vacuolar protein sorting 13 homolog C; minus strand). Cytogenetic location: 15q22.2.
Variant type: single nucleotide variant.
Coding change: c.1192A>G on transcript NM_020821.3 (MANE Select); coding-DNA position 1192, A replaced by G.
Protein change: p.Ile398Val; replaces isoleucine 398 with valine.
Molecular consequence: missense variant.
Genome position (GRCh38, 1-based): chr15:62,007,406, T>C on the plus strand (A>G on the coding strand, the complement: VPS13C is on the minus strand). VCF-style: chr15-62007406-T-C. GRCh37 (hg19) VCF-style: chr15-62299605-T-C.
Other names: c.1192A>G, p.Ile398Val (NM_001018088.3); c.1063A>G, p.Ile355Val (NM_017684.5, NM_018080.4); short protein forms I355V, I398V.
Identifiers: ClinVar variation 4761260 (VCV004761260.1).
Genomic context (GRCh38, chr15:62,007,406, plus strand): 5'-GTGTTAACTTGTTTTTGTAGGCAATTTTATAACTCTTGAGTAACTGCCTGTGCTTTTTTA[T>C]GTTACTCCATGACCACATCTGTGTATACCTTCTTATATGAACTTCAAGAACAGAATCAAT-3'
Protein context (NP_065872.1, residues 388-408): RYTQMWSWSN[Ile398Val]KKHRQLLKSY

ClinVar aggregate classification (germline): Uncertain significance (1 of 4 stars; one submission).

gnomAD v4.1: 3 of 1,613,150 alleles (0.00019%); highest among the groups gnomAD compares: Non-Finnish European, 0.00025%; no homozygotes.

Submission:

Labcorp Genetics (formerly Invitae), Labcorp
Classification: Uncertain significance. Last evaluated: 2026-01-07. Review status: criteria provided, single submitter. Criteria: Invitae Variant Classification Sherloc (09022015). Collection method: clinical testing. Allele origin: germline.
Comment: This sequence change replaces isoleucine, which is neutral and non-polar, with valine, which is neutral and non-polar, at codon 398 of the VPS13C protein (p.Ile398Val). This variant is not present in population databases (gnomAD no frequency). This variant has not been reported in the literature in individuals affected with VPS13C-related conditions. Invitae Evidence Modeling of protein sequence and biophysical properties (such as structural, functional, and spatial information, amino acid conservation, physicochemical variation, residue mobility, and thermodynamic stability) indicates that this missense variant is expected to disrupt VPS13C protein function with a positive predictive value of 80%. In summary, the available evidence is currently insufficient to determine the role of this variant in disease. Therefore, it has been classified as a Variant of Uncertain Significance.